The following is an entry in ClinVar:

ClinVar aggregate classification (germline): Likely benign (1 of 4 stars; one submission).

Submission:

CeGaT Center for Human Genetics Tuebingen
Classification: Likely benign. Last evaluated: 2022-09-01. Review status: criteria provided, single submitter. Criteria: CeGaT Center For Human Genetics Tuebingen Variant Classification Criteria Version 2. Collection method: clinical testing. Allele origin: germline. Affected: yes. Observed: 1 variant allele.
Comment: SFSWAP: PM2:Supporting, BP4, BP7

NM_004592.4(SFSWAP):c.2151C>T (p.Ser717=)

Gene: SFSWAP (splicing factor SWAP; plus strand). Cytogenetic location: 12q24.33.
Variant type: single nucleotide variant.
Coding change: c.2151C>T on transcript NM_004592.4 (MANE Select); coding-DNA position 2151, C replaced by T.
Protein change: p.Ser717=; no amino-acid change (serine 717 retained).
Molecular consequence: synonymous variant.
Genome position (GRCh38, 1-based): chr12:131,778,073, C>T. VCF-style: chr12-131778073-C-T. GRCh37 (hg19) VCF-style: chr12-132262618-C-T.
Other names: c.2151C>T, p.Ser717= (NM_001261411.2).
Identifiers: ClinVar variation 2643605 (VCV002643605.24), dbSNP rs2541126716, ClinGen allele CA482675015.